The following is an entry in ClinVar:

NM_015160.3(PMPCA):c.839G>A (p.Ser280Asn)

Genes: PMPCA (peptidase, mitochondrial processing subunit alpha; plus strand), LOC126860792 (CDK7 strongly-dependent group 2 enhancer GRCh37_chr9:139310410-139311609; plus strand). Cytogenetic location: 9q34.3.
Variant type: single nucleotide variant.
Coding change: c.839G>A on transcript NM_015160.3 (MANE Select); coding-DNA position 839, G replaced by A.
Protein change: p.Ser280Asn; replaces serine 280 with asparagine.
Molecular consequence: missense variant.
Genome position (GRCh38, 1-based): chr9:136,417,156, G>A. VCF-style: chr9-136417156-G-A. GRCh37 (hg19) VCF-style: chr9-139311608-G-A.
Other names: c.446G>A, p.Ser149Asn (NM_001282944.2); c.539G>A, p.Ser180Asn (NM_001282946.2); short protein forms S149N, S280N, S180N.
Identifiers: ClinVar variation 2794626 (VCV002794626.3), dbSNP rs2538846497, ClinGen allele CA375554545.

ClinVar aggregate classification (germline): Uncertain significance (1 of 4 stars; one submission).

Submission:

Labcorp Genetics (formerly Invitae), Labcorp
Classification: Uncertain significance. Last evaluated: 2023-03-20. Review status: criteria provided, single submitter. Criteria: Invitae Variant Classification Sherloc (09022015). Collection method: clinical testing. Allele origin: germline.
Comment: In summary, the available evidence is currently insufficient to determine the role of this variant in disease. Therefore, it has been classified as a Variant of Uncertain Significance. Advanced modeling of protein sequence and biophysical properties (such as structural, functional, and spatial information, amino acid conservation, physicochemical variation, residue mobility, and thermodynamic stability) performed at Invitae indicates that this missense variant is not expected to disrupt PMPCA protein function. This variant has not been reported in the literature in individuals affected with PMPCA-related conditions. This variant is not present in population databases (gnomAD no frequency). This sequence change replaces serine, which is neutral and polar, with asparagine, which is neutral and polar, at codon 280 of the PMPCA protein (p.Ser280Asn).